The following is an entry in ClinVar:

NM_001377458.1(CLCC1):c.1156G>A (p.Asp386Asn)

Gene: CLCC1 (chloride channel CLIC like 1; minus strand). Cytogenetic location: 1p13.3.
Variant type: single nucleotide variant.
Coding change: c.1156G>A on transcript NM_001377458.1 (MANE Select); coding-DNA position 1156, G replaced by A.
Protein change: p.Asp386Asn; replaces aspartic acid 386 with asparagine.
Molecular consequence: missense variant. On other transcripts: non-coding transcript variant (1).
Genome position (GRCh38, 1-based): chr1:108,937,304, C>T on the plus strand (G>A on the coding strand, the complement: CLCC1 is on the minus strand). VCF-style: chr1-108937304-C-T. GRCh37 (hg19) VCF-style: chr1-109479926-C-T.
Other names: c.1156G>A, p.Asp386Asn (NM_001048210.3, NM_001377459.1, NM_001377460.1 and 8 more transcripts); c.793G>A, p.Asp265Asn (NM_001278202.2); c.601G>A, p.Asp201Asn (NM_001278203.1); c.1054G>A, p.Asp352Asn (NM_001377469.1); c.865G>A, p.Asp289Asn (NM_001377470.1); c.1006G>A, p.Asp336Asn (NM_015127.5); short protein forms D265N, D336N, D386N, D289N, D201N, D352N.
Identifiers: ClinVar variation 1927674 (VCV001927674.5), dbSNP rs988459753, ClinGen allele CA341457980.
Genomic context (GRCh38, chr1:108,937,304, plus strand): 5'-GGCCCATTTGGCCCCTATAATGGAAATCGGCATCACCTGCTCCACCATCAGGTCTATAAT[C>T]AATTTCCTCCTGCCGTCTTCTATCCCGTGGCCGAAGTGCCTGGGGAGGTTCGCTCTCAGG-3'
Protein context (NP_001364387.1, residues 376-396): PRDRRRQEEI[Asp386Asn]YRPDGGAGDA

ClinVar aggregate classification (germline): Uncertain significance (1 of 4 stars; one submission).

Submission:

Labcorp Genetics (formerly Invitae), Labcorp
Classification: Uncertain significance. Last evaluated: 2022-01-17. Review status: criteria provided, single submitter. Criteria: Invitae Variant Classification Sherloc (09022015). Collection method: clinical testing. Allele origin: germline.
Comment: This variant has not been reported in the literature in individuals affected with CLCC1-related conditions. In summary, the available evidence is currently insufficient to determine the role of this variant in disease. Therefore, it has been classified as a Variant of Uncertain Significance. Algorithms developed to predict the effect of missense changes on protein structure and function are either unavailable or do not agree on the potential impact of this missense change (SIFT: "Deleterious"; PolyPhen-2: "Benign"; Align-GVGD: "Class C0"). This variant is not present in population databases (gnomAD no frequency). This sequence change replaces aspartic acid, which is acidic and polar, with asparagine, which is neutral and polar, at codon 386 of the CLCC1 protein (p.Asp386Asn).